The following is an entry in ClinVar:

NM_006306.4(SMC1A):c.438G>A (p.Lys146=)

Gene: SMC1A (structural maintenance of chromosomes 1A; minus strand). Cytogenetic location: Xp11.22.
Variant type: single nucleotide variant.
Coding change: c.438G>A on transcript NM_006306.4 (MANE Select); coding-DNA position 438, G replaced by A.
Protein change: p.Lys146=; no amino-acid change (lysine 146 retained).
Molecular consequence: synonymous variant.
Genome position (GRCh38, 1-based): chrX:53,413,409, C>T on the plus strand (G>A on the coding strand, the complement: SMC1A is on the minus strand). VCF-style: chrX-53413409-C-T. GRCh37 (hg19) VCF-style: chrX-53440359-C-T.
Other names: c.372G>A, p.Lys124= (NM_001281463.1).
Identifiers: ClinVar variation 4085210 (VCV004085210.8).

ClinVar aggregate classification (germline): Likely benign (1 of 4 stars; one submission).

Submission:

CeGaT Center for Human Genetics Tuebingen
Classification: Likely benign. Last evaluated: 2025-06-01. Review status: criteria provided, single submitter. Criteria: CeGaT Center For Human Genetics Tuebingen Variant Classification Criteria Version 2. Collection method: clinical testing. Allele origin: germline. Affected: yes. Observed: 1 variant allele.
Comment: SMC1A: PM2:Supporting, BP4, BP7